The following is an entry in ClinVar:

NM_001873.4(CPE):c.448C>T (p.Arg150Cys)

Gene: CPE (carboxypeptidase E; plus strand). Cytogenetic location: 4q32.3.
Variant type: single nucleotide variant.
Coding change: c.448C>T on transcript NM_001873.4 (MANE Select); coding-DNA position 448, C replaced by T.
Protein change: p.Arg150Cys; replaces arginine 150 with cysteine.
Molecular consequence: missense variant.
Genome position (GRCh38, 1-based): chr4:165,464,530, C>T. VCF-style: chr4-165464530-C-T. GRCh37 (hg19) VCF-style: chr4-166385682-C-T.
Other names: short protein forms R150C.
Identifiers: ClinVar variation 5001349 (VCV005001349.1).
Genomic context (GRCh38, chr4:165,464,530, plus strand): 5'-TACCTATGCAACGAATACCAGAAGGGGAACGAGACAATTGTCAACCTGATCCACAGTACC[C>T]GCATTCACATCATGCCTTCCCTGAACCCAGATGGCTTTGAGAAGGCAGCGTCTCAGGTGA-3'
Protein context (NP_001864.1, residues 140-160): ETIVNLIHST[Arg150Cys]IHIMPSLNPD

ClinVar aggregate classification (germline): Uncertain significance (1 of 4 stars; one submission).

Conditions:
CPE-related disorder. Also called: CPE-related condition.

Submission:

PreventionGenetics, part of Exact Sciences
Classification: Uncertain significance for CPE-related condition. Last evaluated: 2024-12-10. Review status: criteria provided, single submitter. Criteria: ACMG Guidelines, 2015. Collection method: clinical testing. Allele origin: germline.
Comment: The CPE c.448C>T variant is predicted to result in the amino acid substitution p.Arg150Cys. To our knowledge, this variant has not been reported in the literature or in a large population database (gnomAD), indicating this variant is rare. At this time, the clinical significance of this variant is uncertain due to the absence of conclusive functional and genetic evidence.